The following is an entry in ClinVar:

NM_021008.4(DEAF1):c.95_100del (p.Ala32_Ala33del)

Gene: DEAF1 (DEAF1 transcription factor; minus strand). Cytogenetic location: 11p15.5.
Variant type: Deletion.
Coding change: c.95_100del on transcript NM_021008.4 (MANE Select); coding-DNA positions 95 to 100, 6 bases deleted (CGGCAG; older notation c.95_100delCGGCAG).
Protein change: p.Ala32_Ala33del.
Molecular consequence: inframe deletion. On other transcripts: inframe indel (1), intron variant (1).
Genome position (GRCh38, 1-based): chr11:694,948-694,953, CTGCCG deleted on the plus strand (CGGCAG on the coding strand, the reverse complement: DEAF1 is on the minus strand); deleting any 6 consecutive bases within chr11:694,948-694,954 gives the same sequence; the c. name uses the placement nearest the transcript's 3' end. VCF-style (leftmost placement, unchanged base first): chr11-694947-CCTGCCG-C. GRCh37 (hg19) VCF-style: chr11-694947-CCTGCCG-C.
Other names: c.94_99delGCGGCA, p.Ala32_Ala33del (NM_001293634.2); c.-437-3355_-437-3350del (NM_001367390.1).
Identifiers: ClinVar variation 3053475 (VCV003053475.2), dbSNP rs2494506053, ClinGen allele CA2611733512.
Genomic context (GRCh38, chr11:694,947, plus strand): 5'-GAGTCTGCGTCCTCCTCCGAGTCCTCGTCCCTGCTCAGCACCGGCTCCTCCGCCTCGCCT[CCTGCCG>C]CGGCCGCGGCCGCCGCCGCCACAGCGGCCGCGGCCGCCACCGCCGCCGCCTCAGCCAGGC-3'

ClinVar aggregate classification (germline): Likely benign (0 of 4 stars; one submission).

Conditions:
DEAF1-related disorder.

Submission:

PreventionGenetics, part of Exact Sciences
Classification: Likely benign for DEAF1-related condition. Last evaluated: 2019-11-07. Review status: no assertion criteria provided. Collection method: clinical testing. Allele origin: germline.
Comment: This variant is classified as likely benign based on ACMG/AMP sequence variant interpretation guidelines (Richards et al. 2015 PMID: 25741868, with internal and published modifications).